The following is an entry in ClinVar:

NM_001130144.3(LTBP3):c.3886G>A (p.Ala1296Thr)

Gene: LTBP3 (latent transforming growth factor beta binding protein 3; minus strand). Cytogenetic location: 11q13.1.
Variant type: single nucleotide variant.
Coding change: c.3886G>A on transcript NM_001130144.3 (MANE Select); coding-DNA position 3886, G replaced by A.
Protein change: p.Ala1296Thr; replaces alanine 1296 with threonine.
Molecular consequence: missense variant.
Genome position (GRCh38, 1-based): chr11:65,539,106, C>T on the plus strand (G>A on the coding strand, the complement: LTBP3 is on the minus strand). VCF-style: chr11-65539106-C-T. GRCh37 (hg19) VCF-style: chr11-65306577-C-T.
Other names: c.3394G>A, p.Ala1132Thr (NM_001164266.1); c.3745G>A, p.Ala1249Thr (NM_021070.4); short protein forms A1132T, A1296T, A1249T.
Identifiers: ClinVar variation 2994067 (VCV002994067.3), dbSNP rs768130401, ClinGen allele CA381265796.

ClinVar aggregate classification (germline): Uncertain significance (1 of 4 stars; one submission).

Conditions:
Brachyolmia-amelogenesis imperfecta syndrome. Also called: Tooth agenesis, selective, 6; Dental anomalies and short stature; PLATYSPONDYLY WITH AMELOGENESIS IMPERFECTA. Identifiers: Orphanet 2899, MedGen C1832594, MONDO:0011018, OMIM 601216. Disease mechanism: loss of function.

Allele frequency attached by ClinVar (database versions not stated): TOPMed below 0.00001; gnomAD 0.00001.
gnomAD v4.1: 5 of 1,462,708 alleles (0.00034%); highest among the groups gnomAD compares: Non-Finnish European, 0.00036%; no homozygotes.

Submission:

Labcorp Genetics (formerly Invitae), Labcorp
Classification: Uncertain significance for Brachyolmia-amelogenesis imperfecta syndrome. Last evaluated: 2023-07-06. Review status: criteria provided, single submitter. Criteria: Invitae Variant Classification Sherloc (09022015). Collection method: clinical testing. Allele origin: germline.
Comment: This sequence change replaces alanine, which is neutral and non-polar, with threonine, which is neutral and polar, at codon 1296 of the LTBP3 protein (p.Ala1296Thr). This variant is present in population databases (no rsID available, gnomAD 0.007%). This variant has not been reported in the literature in individuals affected with LTBP3-related conditions. Algorithms developed to predict the effect of missense changes on protein structure and function output the following: SIFT: "Not Available"; PolyPhen-2: "Benign"; Align-GVGD: "Not Available". The threonine amino acid residue is found in multiple mammalian species, which suggests that this missense change does not adversely affect protein function. In summary, the available evidence is currently insufficient to determine the role of this variant in disease. Therefore, it has been classified as a Variant of Uncertain Significance.